The following is an entry in ClinVar:

NM_001142864.4(PIEZO1):c.5891T>A (p.Met1964Lys)

Gene: PIEZO1 (piezo type mechanosensitive ion channel component 1 (Er blood group); minus strand). Cytogenetic location: 16q24.3.
Variant type: single nucleotide variant.
Coding change: c.5891T>A on transcript NM_001142864.4 (MANE Select); coding-DNA position 5891, T replaced by A.
Protein change: p.Met1964Lys; replaces methionine 1964 with lysine.
Molecular consequence: missense variant.
Genome position (GRCh38, 1-based): chr16:88,720,443, A>T on the plus strand (T>A on the coding strand, the complement: PIEZO1 is on the minus strand). VCF-style: chr16-88720443-A-T. GRCh37 (hg19) VCF-style: chr16-88786851-A-T.
Other names: c.5891T>A, p.Met1964Lys (LRG_1137t1); short protein forms M1964K.
Identifiers: ClinVar variation 393226 (VCV000393226.4), dbSNP rs1057524844, ClinGen allele CA16607526.

ClinVar aggregate classification (germline): Uncertain significance (1 of 4 stars; one submission).

Submission:

GeneDx
Classification: Uncertain significance. Last evaluated: 2024-05-20. Review status: criteria provided, single submitter. Criteria: GeneDx Variant Classification Process June 2021. Collection method: clinical testing. Allele origin: germline. Affected: yes.
Comment: Not observed at significant frequency in large population cohorts (gnomAD); In silico analysis supports that this missense variant has a deleterious effect on protein structure/function; Has not been previously published as pathogenic or benign to our knowledge